The following is an entry in ClinVar:

ClinVar aggregate classification (germline): Likely pathogenic. Review status: criteria provided, multiple submitters, no conflicts (2 of 4 stars). 2 submissions from 2 submitters: Likely pathogenic (2). Last evaluated 2023-01-06.

Conditions:
FBN1-related disorder. Also called: FBN1-related disorders.
Marfan syndrome (MFS). Also called: MARFAN SYNDROME, TYPE I; Marfan syndrome type 1; Marfan's syndrome; Marfan syndrome, classic; FBN1-Related Marfan Syndrome. Identifiers: Orphanet 284963, Orphanet 558, MedGen C0024796, MONDO:0007947, OMIM 154700.
Familial thoracic aortic aneurysm and aortic dissection (TAAD). Also called: Thoracic aortic aneurysms and dissections. Identifiers: Orphanet 91387, MedGen C4707243, MONDO:0019625.

Submissions (2):

PreventionGenetics, part of Exact Sciences
Classification: Likely pathogenic for FBN1-related condition. Last evaluated: 2023-01-06. Review status: criteria provided, single submitter. Criteria: ACMG Guidelines, 2015. Collection method: clinical testing. Allele origin: germline.
Comment: The FBN1 c.6490T>G variant is predicted to result in the amino acid substitution p.Cys2164Gly. To our knowledge, this variant has not been reported in the literature or in a large population database, indicating this variant is rare. This variant substitutes a cysteine residue that is located within the epidermal growth factor-like domain of the FBN1 protein. Missense variants in FBN1 that substitute or create a cysteine residue are well-documented to cause Marfan syndrome (Dietz and Dietz. 1993. PubMed ID: 20301510; Comeglio et al. 2007. PubMed ID: 17657824; Stheneur et al. 2009. PubMed ID: 19293843). Additionally, different nucleotide substitutions affecting the same amino acid (p.Cys2164Ser, p.Cys2164Arg, p.Cys2164Tyr) have been reported in individuals with Marfan syndrome (Takeda et al. 2018. PubMed ID: 29848614; Stark et al. 2020. PubMed ID: 32679894; Mannucci et al. 2019. PubMed ID: 31730815). Taken together, the c.6490T>G (p.Cys2164Gly) variant is interpreted as likely pathogenic.

Labcorp Genetics (formerly Invitae), Labcorp
Classification: Likely pathogenic for Marfan syndrome; Familial thoracic aortic aneurysm and aortic dissection. Last evaluated: 2021-02-15. Review status: criteria provided, single submitter. Criteria: Invitae Variant Classification Sherloc (09022015). Collection method: clinical testing. Allele origin: germline.
Comment: This variant has been observed in individual(s) with clinical features of Marfan syndrome (Invitae). This variant is not present in population databases (ExAC no frequency). This sequence change replaces cysteine with glycine at codon 2164 of the FBN1 protein (p.Cys2164Gly). The cysteine residue is highly conserved and there is a large physicochemical difference between cysteine and glycine. In summary, the currently available evidence indicates that the variant is pathogenic, but additional data are needed to prove that conclusively. Therefore, this variant has been classified as Likely Pathogenic. This variant affects a cysteine residue in the EGF-like, TGFBP or hybrid motif domains of FBN1. Cysteine residues are believed to be involved in intramolecular disulfide bridges and have been shown to be important for FBN1 protein structure (PMID: 16905551, 19349279). In addition, missense substitutions affecting cysteine residues within these domains are significantly overrepresented among patients with Marfan syndrome (PMID: 16571647, 17701892). Advanced modeling of protein sequence and biophysical properties (such as structural, functional, and spatial information, amino acid conservation, physicochemical variation, residue mobility, and thermodynamic stability) performed at Invitae indicates that this missense variant is expected to disrupt FBN1 protein function.

Literature cited by the submitters: PubMed 16905551 (cited by Labcorp Genetics (formerly Invitae), Labcorp); PubMed 19349279 (cited by Labcorp Genetics (formerly Invitae), Labcorp); PubMed 16571647 (cited by Labcorp Genetics (formerly Invitae), Labcorp); PubMed 17701892 (cited by Labcorp Genetics (formerly Invitae), Labcorp).

NM_000138.5(FBN1):c.6490T>G (p.Cys2164Gly)

Gene: FBN1 (fibrillin 1; minus strand). Cytogenetic location: 15q21.1.
Variant type: single nucleotide variant.
Coding change: c.6490T>G on transcript NM_000138.5 (MANE Select); coding-DNA position 6490, T replaced by G.
Protein change: p.Cys2164Gly; replaces cysteine 2164 with glycine.
Molecular consequence: missense variant.
Genome position (GRCh38, 1-based): chr15:48,436,967, A>C on the plus strand (T>G on the coding strand, the complement: FBN1 is on the minus strand). VCF-style: chr15-48436967-A-C. GRCh37 (hg19) VCF-style: chr15-48729164-A-C.
Other names: c.6490T>G (NM_000138.4); short protein forms C2164G.
Identifiers: ClinVar variation 1494003 (VCV001494003.8), dbSNP rs2141240296, ClinGen allele CA392336271.
Genomic context (GRCh38, chr15:48,436,967, plus strand): 5'-TATAGCTTAATTTTTAATTTGTAAAGTTCCTATGGAAGAAAACTTATTACTCACCTACAC[A>C]TTCATTCCCTGCTAGAATATAACCAAAGGGACACTCGCAGCGATAGGAACCATCTGTATT-3'
Protein context (NP_000129.3, residues 2154-2174): PFGYILAGNE[Cys2164Gly]VDTDECSVGN